The following is an entry in ClinVar:

NM_000535.7(PMS2):c.1982A>T (p.Glu661Val)

Gene: PMS2 (PMS1 homolog 2, mismatch repair system component; minus strand). Cytogenetic location: 7p22.1.
Variant type: single nucleotide variant.
Coding change: c.1982A>T on transcript NM_000535.7 (MANE Select); coding-DNA position 1982, A replaced by T.
Protein change: p.Glu661Val; replaces glutamic acid 661 with valine.
Molecular consequence: missense variant. On other transcripts: non-coding transcript variant (1), intron variant (1).
Genome position (GRCh38, 1-based): chr7:5,986,783, T>A on the plus strand (A>T on the coding strand, the complement: PMS2 is on the minus strand). VCF-style: chr7-5986783-T-A. GRCh37 (hg19) VCF-style: chr7-6026414-T-A.
Other names: c.1577A>T, p.Glu526Val (NM_001322003.2, NM_001322004.2, NM_001322005.2 and 16 more transcripts); c.1826A>T, p.Glu609Val (NM_001322006.2, NM_001406870.1); c.1664A>T, p.Glu555Val (NM_001322007.2, NM_001322008.2, NM_001406876.1 and 2 more transcripts); c.1421A>T, p.Glu474Val (NM_001322010.2, NM_001406906.1, NM_001406907.1); c.1049A>T, p.Glu350Val (NM_001322011.2, NM_001322012.2); c.1409A>T, p.Glu470Val (NM_001322013.2, NM_001406909.1); c.1982A>T, p.Glu661Val (NM_001322014.2, NM_001406871.1, NM_001406872.1); c.1673A>T, p.Glu558Val (NM_001322015.2, NM_001406875.1, NM_001406877.1 and 5 more transcripts); and 13 more; short protein forms E555V, E595V, E609V, E625V, E490V, E503V, E539V, E404V.
Identifiers: ClinVar variation 3421476 (VCV003421476.1).

ClinVar aggregate classification (germline): Uncertain significance (1 of 4 stars; one submission).

Conditions:
Hereditary cancer-predisposing syndrome. Also called: Neoplastic Syndromes, Hereditary; Tumor predisposition; Hereditary Cancer Syndrome; Hereditary neoplastic syndrome. Identifiers: Orphanet 140162, MedGen C0027672, MeSH D009386, MONDO:0015356.

Submission:

Ambry Genetics
Classification: Uncertain significance for Hereditary cancer-predisposing syndrome. Last evaluated: 2024-07-23. Review status: criteria provided, single submitter. Criteria: Ambry Variant Classification Scheme 2023. Collection method: clinical testing. Allele origin: germline.
Comment: The p.E661V variant (also known as c.1982A>T), located in coding exon 11 of the PMS2 gene, results from an A to T substitution at nucleotide position 1982. The glutamic acid at codon 661 is replaced by valine, an amino acid with dissimilar properties. This amino acid position is conserved. In addition, the in silico prediction for this alteration is inconclusive. Based on the available evidence, the clinical significance of this variant remains unclear.